The following is an entry in ClinVar:

ClinVar aggregate classification (germline): Uncertain significance (1 of 4 stars; one submission).

Conditions:
Familial thoracic aortic aneurysm and aortic dissection (TAAD). Also called: Thoracic aortic aneurysms and dissections. Identifiers: Orphanet 91387, MedGen C4707243, MONDO:0019625.

gnomAD v4.1: 15 of 1,614,142 alleles (0.00093%); highest among the groups gnomAD compares: Non-Finnish European, 0.0012%; no homozygotes.

Submission:

Color Diagnostics, LLC DBA Color Health
Classification: Uncertain significance for Familial thoracic aortic aneurysm and aortic dissection. Last evaluated: 2025-06-09. Review status: criteria provided, single submitter. Criteria: ACMG Guidelines, 2015. Collection method: clinical testing. Allele origin: germline.
Comment: This missense variant replaces histidine with glutamine at codon 1809 of the MYH11 protein. Computational prediction suggests that this variant may not impact protein structure and function. To our knowledge, functional studies have not been reported for this variant. This variant has not been reported in individuals affected with MYH11-related disorders in the literature. This variant has not been identified in the general population by the Genome Aggregation Database (gnomAD). The available evidence is insufficient to determine the role of this variant in disease conclusively. Therefore, this variant is classified as a Variant of Uncertain Significance.

NM_002474.3(MYH11):c.5406C>A (p.His1802Gln)

Genes: NDE1 (nudE neurodevelopment protein 1; plus strand), MYH11 (myosin heavy chain 11; minus strand). Cytogenetic location: 16p13.11.
Variant type: single nucleotide variant.
Coding change: c.5406C>A on transcript NM_002474.3 (MANE Select); coding-DNA position 5406, C replaced by A.
Protein change: p.His1802Gln; replaces histidine 1802 with glutamine.
Molecular consequence: missense variant. On other transcripts: intron variant (2).
Genome position (GRCh38, 1-based): chr16:15,717,238, G>T on the plus strand (C>A on the coding strand, the complement: MYH11 is on the minus strand). VCF-style: chr16-15717238-G-T. GRCh37 (hg19) VCF-style: chr16-15811095-G-T.
Other names: c.5427C>A, p.His1809Gln (NM_001040113.2, NM_001040114.2); c.5406C>A, p.His1802Gln (NM_022844.3); c.948-6953G>T (NM_001143979.2, NM_017668.3); short protein forms H1802Q, H1809Q.
Identifiers: ClinVar variation 4758637 (VCV004758637.1).